The following is an entry in ClinVar:

ClinVar aggregate classification (germline): Uncertain significance (1 of 4 stars; one submission).

Submission:

GeneDx
Classification: Uncertain significance. Last evaluated: 2025-05-14. Review status: criteria provided, single submitter. Criteria: GeneDx Variant Classification Process June 2021. Collection method: clinical testing. Allele origin: germline. Affected: yes.
Comment: Not observed at significant frequency in large population cohorts (gnomAD); In silico analysis suggests that this missense variant does not alter protein structure/function; Has not been previously published as pathogenic or benign to our knowledge

NM_006662.3(SRCAP):c.3580G>C (p.Ala1194Pro)

Gene: SRCAP (Snf2 related CREBBP activator protein; plus strand). Cytogenetic location: 16p11.2.
Variant type: single nucleotide variant.
Coding change: c.3580G>C on transcript NM_006662.3 (MANE Select); coding-DNA position 3580, G replaced by C.
Protein change: p.Ala1194Pro; replaces alanine 1194 with proline.
Molecular consequence: missense variant.
Genome position (GRCh38, 1-based): chr16:30,722,160, G>C. VCF-style: chr16-30722160-G-C. GRCh37 (hg19) VCF-style: chr16-30733481-G-C.
Other names: short protein forms A1194P.
Identifiers: ClinVar variation 4529868 (VCV004529868.1).